The following is an entry in ClinVar:

ClinVar aggregate classification (germline): Uncertain significance (1 of 4 stars; one submission).

Allele frequency attached by ClinVar (database versions not stated): gnomAD exomes below 0.00001.
gnomAD v4.1: 1 of 1,613,760 alleles (0.000062%); highest among the groups gnomAD compares: Non-Finnish European, 0.000085%; no homozygotes.

Submission:

Ambry Genetics
Classification: Uncertain significance. Last evaluated: 2022-04-09. Review status: criteria provided, single submitter. Criteria: Ambry Variant Classification Scheme 2023. Collection method: clinical testing. Allele origin: germline.
Comment: The p.C478Y variant (also known as c.1433G>A), located in coding exon 13 of the PRKDC gene, results from a G to A substitution at nucleotide position 1433. The cysteine at codon 478 is replaced by tyrosine, an amino acid with highly dissimilar properties. This amino acid position is conserved. In addition, this alteration is predicted to be tolerated by in silico analysis. Since supporting evidence is limited at this time, the clinical significance of this alteration remains unclear.

NM_006904.7(PRKDC):c.1433G>A (p.Cys478Tyr)

Gene: PRKDC (protein kinase, DNA-activated, catalytic subunit; minus strand). Cytogenetic location: 8q11.21.
Variant type: single nucleotide variant.
Coding change: c.1433G>A on transcript NM_006904.7 (MANE Select); coding-DNA position 1433, G replaced by A.
Protein change: p.Cys478Tyr; replaces cysteine 478 with tyrosine.
Molecular consequence: missense variant.
Genome position (GRCh38, 1-based): chr8:47,935,746, C>T on the plus strand (G>A on the coding strand, the complement: PRKDC is on the minus strand). VCF-style: chr8-47935746-C-T. GRCh37 (hg19) VCF-style: chr8-48848306-C-T.
Other names: c.1433G>A, p.Cys478Tyr (NM_001081640.2); short protein forms C478Y.
Identifiers: ClinVar variation 1772555 (VCV001772555.2), dbSNP rs2551879536, ClinGen allele CA371165686.